The following is an entry in ClinVar:

ClinVar aggregate classification (germline): Likely benign. Review status: criteria provided, multiple submitters, no conflicts (2 of 4 stars). 2 submissions from 2 submitters: Likely benign (2). Last evaluated 2026-02-01.

Allele frequency attached by ClinVar (database versions not stated): 1000 Genomes Project 30x 0.00047; 1000 Genomes Project 0.00060; ESP Exome Variant Server 0.00081; TOPMed 0.00110; ExAC 0.00115; gnomAD 0.00131; gnomAD exomes 0.00221.

Submissions (2):

CeGaT Center for Human Genetics Tuebingen
Classification: Likely benign. Last evaluated: 2026-02-01. Review status: criteria provided, single submitter. Criteria: CeGaT Center For Human Genetics Tuebingen Variant Classification Criteria Version 2. Collection method: clinical testing. Allele origin: germline. Affected: yes. Observed: 4 variant alleles.
Comment: ABCA2: BP4

Blueprint Genetics
Classification: Likely benign. Last evaluated: 2024-11-18. Review status: criteria provided, single submitter. Criteria: ACMG Guidelines, 2015. Collection method: clinical testing. Allele origin: germline.

NM_001606.5(ABCA2):c.5799+8G>A

Genes: ABCA2 (ATP binding cassette subfamily A member 2; minus strand), LOC126860796 (CDK7 strongly-dependent group 2 enhancer GRCh37_chr9:139904888-139906087; plus strand). Cytogenetic location: 9q34.3.
Variant type: single nucleotide variant.
Coding change: c.5799+8G>A on transcript NM_001606.5 (MANE Select); 8 bases into the intron after coding-DNA position 5799, G replaced by A.
Molecular consequence: intron variant.
Genome position (GRCh38, 1-based): chr9:137,011,399, C>T on the plus strand (G>A on the coding strand, the complement: ABCA2 is on the minus strand). VCF-style: chr9-137011399-C-T. GRCh37 (hg19) VCF-style: chr9-139905851-C-T.
Other names: c.5889+8G>A (NM_212533.3); c.5796+8G>A (NM_001411042.1).
Identifiers: ClinVar variation 2659769 (VCV002659769.25), dbSNP rs192338812, ClinGen allele CA5353883.